The following is an entry in ClinVar:

NM_152617.4(RNF168):c.244A>G (p.Lys82Glu)

Gene: RNF168 (ring finger protein 168; minus strand). Cytogenetic location: 3q29.
Variant type: single nucleotide variant.
Coding change: c.244A>G on transcript NM_152617.4 (MANE Select); coding-DNA position 244, A replaced by G.
Protein change: p.Lys82Glu; replaces lysine 82 with glutamic acid.
Molecular consequence: missense variant.
Genome position (GRCh38, 1-based): chr3:196,502,930, T>C on the plus strand (A>G on the coding strand, the complement: RNF168 is on the minus strand). VCF-style: chr3-196502930-T-C. GRCh37 (hg19) VCF-style: chr3-196229801-T-C.
Other names: c.244A>G (NM_152617.3); short protein forms K82E.
Identifiers: ClinVar variation 1420810 (VCV001420810.6), dbSNP rs144369619, ClinGen allele CA2781017.

ClinVar aggregate classification (germline): Uncertain significance. Review status: criteria provided, multiple submitters, no conflicts (2 of 4 stars). 3 submissions from 3 submitters: Uncertain significance (3). Last evaluated 2025-08-04.

Conditions:
Inborn genetic diseases. Identifiers: MedGen C0950123, MeSH D030342.

Allele frequency attached by ClinVar (database versions not stated): ESP Exome Variant Server 0.00008; TOPMed 0.00008; gnomAD 0.00009; gnomAD exomes 0.00009 and 0.00013; ExAC 0.00014.
gnomAD v4.1: 143 of 1,614,036 alleles (0.0089%); highest among the groups gnomAD compares: Non-Finnish European, 0.012%; no homozygotes.

Submissions (3):

Ambry Genetics
Classification: Uncertain significance for Inborn genetic diseases. Last evaluated: 2025-08-04. Review status: criteria provided, single submitter. Criteria: Ambry Variant Classification Scheme 2023. Collection method: clinical testing. Allele origin: germline.

Blueprint Genetics
Classification: Uncertain significance. Last evaluated: 2024-10-02. Review status: criteria provided, single submitter. Criteria: ACMG Guidelines, 2015. Collection method: clinical testing. Allele origin: germline.

Labcorp Genetics (formerly Invitae), Labcorp
Classification: Uncertain significance. Last evaluated: 2022-08-23. Review status: criteria provided, single submitter. Criteria: Invitae Variant Classification Sherloc (09022015). Collection method: clinical testing. Allele origin: germline.
Comment: This sequence change replaces lysine, which is basic and polar, with glutamic acid, which is acidic and polar, at codon 82 of the RNF168 protein (p.Lys82Glu). This variant is present in population databases (rs144369619, gnomAD 0.02%). This variant has not been reported in the literature in individuals affected with RNF168-related conditions. ClinVar contains an entry for this variant (Variation ID: 1420810). Algorithms developed to predict the effect of missense changes on protein structure and function (SIFT, PolyPhen-2, Align-GVGD) all suggest that this variant is likely to be tolerated. In summary, the available evidence is currently insufficient to determine the role of this variant in disease. Therefore, it has been classified as a Variant of Uncertain Significance.